The following is an entry in ClinVar:

NM_005896.4(IDH1):c.395G>T (p.Arg132Leu)

Gene: IDH1 (isocitrate dehydrogenase (NADP(+)) 1; minus strand). Cytogenetic location: 2q34.
Variant type: single nucleotide variant.
Coding change: c.395G>T on transcript NM_005896.4 (MANE Select); coding-DNA position 395, G replaced by T.
Protein change: p.Arg132Leu; replaces arginine 132 with leucine.
Molecular consequence: missense variant.
Genome position (GRCh38, 1-based): chr2:208,248,388, C>A on the plus strand (G>T on the coding strand, the complement: IDH1 is on the minus strand). VCF-style: chr2-208248388-C-A. GRCh37 (hg19) VCF-style: chr2-209113112-C-A.
Other names: c.395G>T, p.Arg132Leu (NM_001282386.1, NM_001282387.1); short protein forms R132L.
Identifiers: ClinVar variation 375889 (VCV000375889.14), dbSNP rs121913500, ClinGen allele CA16602372.

ClinVar aggregate classification (germline): Pathogenic (1 of 4 stars; one submission).
ClinVar aggregate classification (somatic clinical impact): Tier I - Strong (1 of 4 stars; one submission).
ClinVar aggregate classification (oncogenicity): Oncogenic (1 of 4 stars; one submission).

Conditions:
Astrocytoma IDH-mutant. Identifiers: MedGen C5669733.
Neoplasm. Also called: tumor; Neoplasms; Neoplasm (disease). Identifiers: MedGen C0027651, MeSH D009369, MONDO:0005070, HP:0002664.

Submissions (3):

CeGaT Center for Human Genetics Tuebingen
Classification: Pathogenic. Last evaluated: 2025-04-01. Review status: criteria provided, single submitter. Criteria: CeGaT Center For Human Genetics Tuebingen Variant Classification Criteria Version 2. Collection method: clinical testing. Allele origin: germline. Affected: yes. Observed: 1 variant allele.
Comment: IDH1: PS4, PM1, PM2, PM5

Center for Genomic Medicine, Rigshospitalet, Copenhagen University Hospital
Classification: Oncogenic for Neoplasm. Last evaluated: 2025-03-04. Review status: criteria provided, single submitter. Criteria: ClinGen/CGC/VICC Guidelines for Oncogenicity, 2022. Collection method: clinical testing. Allele origin: somatic. Affected: yes.

Institute for Genomic Medicine (IGM) Clinical Laboratory, Nationwide Children's Hospital
Classification: Tier I - Strong for Astrocytoma IDH-mutant. Assertion type: diagnostic. Clinical significance: supports diagnosis. Last evaluated: 2024-12-12. Review status: criteria provided, single submitter. Criteria: AMP/ASCO/CAP Guidelines, 2017. Collection method: clinical testing. Allele origin: somatic. Affected: yes.
Comment: Variant has Tier I (strong) clinical significance as a diagnostic inclusion criterion in Astrocytoma IDH-mutant, based on the following evidence: 1) Documented in one or more cancer databases (e.g., St. Jude Pecan, COSMIC, CIViC, OncoKB). 2) Appears in one or more well-established professional guidelines (e.g., World Health Organization [WHO]; National Comprehensive Cancer Network [NCCN]) as providing diagnostic, prognostic, or therapeutic information. 3) Information in the literature supports potential biologic effect of variant (PMIDs: 19935646, 21326614, 24529257). 4) Diagnostic for a specific tumor type/classification according to professional guidelines (Evidence Level A; PMIDs: 19228619, 26061751, 19246647, 33772213, 35604410, 24140581, 30326163).

Literature cited by the submitters: PubMed 19935646 (cited by Center for Genomic Medicine, Rigshospitalet, Copenhagen University Hospital and Institute for Genomic Medicine (IGM) Clinical Laboratory, Nationwide Children's Hospital); PubMed 21326614 (cited by Institute for Genomic Medicine (IGM) Clinical Laboratory, Nationwide Children's Hospital); PubMed 24529257 (cited by Institute for Genomic Medicine (IGM) Clinical Laboratory, Nationwide Children's Hospital); PubMed 19228619 (cited by Institute for Genomic Medicine (IGM) Clinical Laboratory, Nationwide Children's Hospital); PubMed 26061751 (cited by Institute for Genomic Medicine (IGM) Clinical Laboratory, Nationwide Children's Hospital); PubMed 19246647 (cited by Institute for Genomic Medicine (IGM) Clinical Laboratory, Nationwide Children's Hospital); PubMed 33772213 (cited by Institute for Genomic Medicine (IGM) Clinical Laboratory, Nationwide Children's Hospital); PubMed 35604410 (cited by Institute for Genomic Medicine (IGM) Clinical Laboratory, Nationwide Children's Hospital); PubMed 24140581 (cited by Institute for Genomic Medicine (IGM) Clinical Laboratory, Nationwide Children's Hospital); PubMed 30326163 (cited by Institute for Genomic Medicine (IGM) Clinical Laboratory, Nationwide Children's Hospital).